The following is an entry in ClinVar:

ClinVar aggregate classification (germline): Uncertain significance (1 of 4 stars; one submission).

Conditions:
Camptomelic dysplasia (CMPD). Also called: CMPD1/SRA1; Campomelic Dysplasia. Identifiers: Orphanet 140, MedGen C1861922, MONDO:0007251, OMIM 114290.

gnomAD v4.1: 11 of 1,612,416 alleles (0.00068%); highest among the groups gnomAD compares: East Asian, 0.022%; no homozygotes.

Submission:

Labcorp Genetics (formerly Invitae), Labcorp
Classification: Uncertain significance for Camptomelic dysplasia. Last evaluated: 2025-03-20. Review status: criteria provided, single submitter. Criteria: Invitae Variant Classification Sherloc (09022015). Collection method: clinical testing. Allele origin: germline.
Comment: This sequence change replaces methionine, which is neutral and non-polar, with valine, which is neutral and non-polar, at codon 469 of the SOX9 protein (p.Met469Val). This variant is present in population databases (rs769269532, gnomAD 0.03%). This missense change has been observed in individual(s) with congenital scoliosis (PMID: 31549955). Invitae Evidence Modeling of protein sequence and biophysical properties (such as structural, functional, and spatial information, amino acid conservation, physicochemical variation, residue mobility, and thermodynamic stability) indicates that this missense variant is not expected to disrupt SOX9 protein function with a negative predictive value of 95%. Experimental studies have shown that this missense change affects SOX9 function (PMID: 31549955). In summary, the available evidence is currently insufficient to determine the role of this variant in disease. Therefore, it has been classified as a Variant of Uncertain Significance.

Literature cited by the submitters: PubMed 31549955.

NM_000346.4(SOX9):c.1405A>G (p.Met469Val)

Gene: SOX9 (SRY-box transcription factor 9; plus strand). Cytogenetic location: 17q24.3.
Variant type: single nucleotide variant.
Coding change: c.1405A>G on transcript NM_000346.4 (MANE Select); coding-DNA position 1405, A replaced by G.
Protein change: p.Met469Val; replaces methionine 469 with valine.
Molecular consequence: missense variant.
Genome position (GRCh38, 1-based): chr17:72,124,262, A>G. VCF-style: chr17-72124262-A-G. GRCh37 (hg19) VCF-style: chr17-70120403-A-G.
Other names: short protein forms M469V.
Identifiers: ClinVar variation 4806848 (VCV004806848.1).
Genomic context (GRCh38, chr17:72,124,262, plus strand): 5'-AGCTCCTACTACAGCCACGCGGCAGGCCAGGGCACCGGCCTCTACTCCACCTTCACCTAC[A>G]TGAACCCCGCTCAGCGCCCCATGTACACCCCCATCGCCGACACCTCTGGGGTCCCTTCCA-3'
Protein context (NP_000337.1, residues 459-479): GTGLYSTFTY[Met469Val]NPAQRPMYTP